The following is an entry in ClinVar:

NM_000051.4(ATM):c.3078G>C (p.Trp1026Cys)

Gene: ATM (ATM serine/threonine kinase; plus strand). Cytogenetic location: 11q22.3.
Variant type: single nucleotide variant.
Coding change: c.3078G>C on transcript NM_000051.4 (MANE Select); coding-DNA position 3078, G replaced by C.
Protein change: p.Trp1026Cys; replaces tryptophan 1026 with cysteine.
Molecular consequence: missense variant.
Genome position (GRCh38, 1-based): chr11:108,272,532, G>C. VCF-style: chr11-108272532-G-C. GRCh37 (hg19) VCF-style: chr11-108143259-G-C.
Other names: c.3078G>C, p.Trp1026Cys (NM_001351834.2); short protein forms W1026C.
Identifiers: ClinVar variation 971880 (VCV000971880.15), dbSNP rs876660869, ClinGen allele CA382514984.

ClinVar aggregate classification (germline): Conflicting classifications of pathogenicity. Review status: criteria provided, conflicting classifications (1 of 4 stars). 4 submissions from 4 submitters: Likely pathogenic (2); Uncertain significance (2). Last evaluated 2024-10-24.

Conditions:
Hereditary cancer-predisposing syndrome. Also called: Tumor predisposition; Hereditary Cancer Syndrome; Neoplastic Syndromes, Hereditary; Hereditary neoplastic syndrome. Identifiers: Orphanet 140162, MedGen C0027672, MeSH D009386, MONDO:0015356.
Ataxia-telangiectasia syndrome (AT). Also called: Ataxia telangiectasia (A-T); Ataxia-telangiectasia; Cerebello-oculocutaneous telangiectasia; Immunodeficiency with ataxia telangiectasia; ATAXIA-TELANGIECTASIA, FRESNO VARIANT; LOUIS-BAR SYNDROME. Identifiers: Orphanet 100, MedGen C0004135, MONDO:0008840, OMIM 208900.
Familial cancer of breast. Also called: BREAST CANCER, FAMILIAL; Hereditary breast cancer; hereditary breast carcinoma. Identifiers: Orphanet 227535, MedGen C0346153, MONDO:0016419, OMIM 114480. Disease mechanism: loss of function.

Submissions (4):

Labcorp Genetics (formerly Invitae), Labcorp
Classification: Likely pathogenic for Ataxia-telangiectasia syndrome. Last evaluated: 2024-10-24. Review status: criteria provided, single submitter. Criteria: Invitae Variant Classification Sherloc (09022015). Collection method: clinical testing. Allele origin: germline.
Comment: This sequence change replaces tryptophan, which is neutral and slightly polar, with cysteine, which is neutral and slightly polar, at codon 1026 of the ATM protein (p.Trp1026Cys). This variant is not present in population databases (gnomAD no frequency). This missense change has been observed in individual(s) with ataxia-telangiectasia and/or breast cancer (PMID: 23726790, 28126470, 35039564). In at least one individual the data is consistent with being in trans (on the opposite chromosome) from a pathogenic variant. ClinVar contains an entry for this variant (Variation ID: 971880). An algorithm developed to predict the effect of missense changes on protein structure and function (PolyPhen-2) suggests that this variant is likely to be tolerated. Algorithms developed to predict the effect of sequence changes on RNA splicing suggest that this variant may disrupt the consensus splice site. In summary, the currently available evidence indicates that the variant is pathogenic, but additional data are needed to prove that conclusively. Therefore, this variant has been classified as Likely Pathogenic.

Baylor Genetics
Classification: Likely pathogenic for Familial cancer of breast. Last evaluated: 2024-03-22. Review status: criteria provided, single submitter. Criteria: ACMG Guidelines, 2015. Collection method: clinical testing. Allele origin: unknown.

Ambry Genetics
Classification: Uncertain significance for Hereditary cancer-predisposing syndrome. Last evaluated: 2022-11-14. Review status: criteria provided, single submitter. Criteria: Ambry Variant Classification Scheme 2023. Collection method: clinical testing. Allele origin: germline.
Comment: The c.3078G>C variant (also known as p.W1026C) is located in coding exon 20 of the ATM gene. This change occurs in the first base pair of coding exon 20. In silico splice site analysis predicts that this alteration may weaken the native splice acceptor site; however, direct evidence is insufficient at this time (Ambry internal data). This nucleotide position is highly conserved in available vertebrate species. Since supporting evidence is limited at this time, the clinical significance of this alteration remains unclear.

Sema4
Classification: Uncertain significance for Hereditary cancer-predisposing syndrome. Last evaluated: 2021-12-20. Review status: criteria provided, single submitter. Criteria: Sema4 Curation Guidelines. Collection method: curation. Allele origin: germline.
Comment: The ATM c.3078G>C (p.W1026C) variant has not been reported in the literature to our knowledge. It was not observed in the large and broad cohorts of the Genome Aggregation Database, but has been reported in ClinVar (Variation ID 971880). Functional studies have not been performed, and in silico predictions of the variant's effect on protein function are inconclusive. The evidence is insufficient to meet ACMG/AMP criteria for classifying the variant as benign or pathogenic. Thus, the clinical significance of this variant is currently uncertain.

Literature cited by the submitters: PubMed 23726790 (cited by Labcorp Genetics (formerly Invitae), Labcorp); PubMed 28126470 (cited by Labcorp Genetics (formerly Invitae), Labcorp); PubMed 35039564 (cited by Labcorp Genetics (formerly Invitae), Labcorp).